The following is an entry in ClinVar:

ClinVar aggregate classification (germline): Uncertain significance (1 of 4 stars; one submission).

Conditions:
Congenital myasthenic syndrome 4A. Also called: CONGENITAL MYASTHENIC SYNDROME TYPE Ia1; MYASTHENIC SYNDROME, CONGENITAL, 4A, SLOW-CHANNEL, AUTOSOMAL RECESSIVE; Myasthenic syndrome, congenital, 4a, slow-channel. Identifiers: Orphanet 590, MedGen C4225413, MONDO:0011600, OMIM 605809.

gnomAD v4.1: 13 of 1,547,386 alleles (0.00084%); highest among the groups gnomAD compares: African/African-American, 0.016%; no homozygotes.

Submission:

Labcorp Genetics (formerly Invitae), Labcorp
Classification: Uncertain significance for Congenital myasthenic syndrome 4A. Last evaluated: 2025-09-10. Review status: criteria provided, single submitter. Criteria: Invitae Variant Classification Sherloc (09022015). Collection method: clinical testing. Allele origin: germline.
Comment: This sequence change replaces proline, which is neutral and non-polar, with glutamine, which is neutral and polar, at codon 359 of the CHRNE protein (p.Pro359Gln). This variant is not present in population databases (gnomAD no frequency). This variant has not been reported in the literature in individuals affected with CHRNE-related conditions. ClinVar contains an entry for this variant (Variation ID: 1447983). Invitae Evidence Modeling of protein sequence and biophysical properties (such as structural, functional, and spatial information, amino acid conservation, physicochemical variation, residue mobility, and thermodynamic stability) indicates that this missense variant is not expected to disrupt CHRNE protein function with a negative predictive value of 95%. In summary, the available evidence is currently insufficient to determine the role of this variant in disease. Therefore, it has been classified as a Variant of Uncertain Significance.

NM_000080.4(CHRNE):c.1076C>A (p.Pro359Gln)

Genes: CHRNE (cholinergic receptor nicotinic epsilon subunit; minus strand), LOC130060041 (ATAC-STARR-seq lymphoblastoid silent region 8050; plus strand). Cytogenetic location: 17p13.2.
Variant type: single nucleotide variant.
Coding change: c.1076C>A on transcript NM_000080.4 (MANE Select); coding-DNA position 1076, C replaced by A.
Protein change: p.Pro359Gln; replaces proline 359 with glutamine.
Molecular consequence: missense variant.
Genome position (GRCh38, 1-based): chr17:4,899,341, G>T on the plus strand (C>A on the coding strand, the complement: CHRNE is on the minus strand). VCF-style: chr17-4899341-G-T. GRCh37 (hg19) VCF-style: chr17-4802636-G-T.
Other names: short protein forms P359Q.
Identifiers: ClinVar variation 1447983 (VCV001447983.6), dbSNP rs192195094, ClinGen allele CA8314030.